The following is an entry in ClinVar:

ClinVar aggregate classification (germline): Uncertain significance. Review status: criteria provided, multiple submitters, no conflicts (2 of 4 stars). 2 submissions from 2 submitters: Uncertain significance (2). Last evaluated 2022-09-14.

Conditions:
Cardiovascular phenotype. Identifiers: MedGen CN230736.
Hypertrophic cardiomyopathy. Also called: HYPERTROPHIC MYOCARDIOPATHY. Identifiers: Orphanet 217569, MedGen C0007194, MeSH D002312, MONDO:0005045, HP:0001639.

Submissions (2):

Labcorp Genetics (formerly Invitae), Labcorp
Classification: Uncertain significance for Hypertrophic cardiomyopathy. Last evaluated: 2022-09-14. Review status: criteria provided, single submitter. Criteria: Invitae Variant Classification Sherloc (09022015). Collection method: clinical testing. Allele origin: germline.
Comment: This sequence change replaces cysteine, which is neutral and slightly polar, with tyrosine, which is neutral and polar, at codon 239 of the MYBPC3 protein (p.Cys239Tyr). This variant is not present in population databases (gnomAD no frequency). In summary, the available evidence is currently insufficient to determine the role of this variant in disease. Therefore, it has been classified as a Variant of Uncertain Significance. Algorithms developed to predict the effect of missense changes on protein structure and function (SIFT, PolyPhen-2, Align-GVGD) all suggest that this variant is likely to be disruptive. ClinVar contains an entry for this variant (Variation ID: 958816). This variant has not been reported in the literature in individuals affected with MYBPC3-related conditions.

Ambry Genetics
Classification: Uncertain significance for Cardiovascular phenotype. Last evaluated: 2018-11-20. Review status: criteria provided, single submitter. Criteria: Ambry Variant Classification Scheme 2023. Collection method: clinical testing. Allele origin: germline.
Comment: The p.C239Y variant (also known as c.716G>A), located in coding exon 6 of the MYBPC3 gene, results from a G to A substitution at nucleotide position 716. The cysteine at codon 239 is replaced by tyrosine, an amino acid with highly dissimilar properties. This amino acid position is highly conserved in available vertebrate species. In addition, this alteration is predicted to be deleterious by in silico analysis. Since supporting evidence is limited at this time, the clinical significance of this alteration remains unclear.

NM_000256.3(MYBPC3):c.716G>A (p.Cys239Tyr)

Gene: MYBPC3 (myosin binding protein C3; minus strand). Cytogenetic location: 11p11.2.
Variant type: single nucleotide variant.
Coding change: c.716G>A on transcript NM_000256.3 (MANE Select); coding-DNA position 716, G replaced by A.
Protein change: p.Cys239Tyr; replaces cysteine 239 with tyrosine.
Molecular consequence: missense variant.
Genome position (GRCh38, 1-based): chr11:47,348,480, C>T on the plus strand (G>A on the coding strand, the complement: MYBPC3 is on the minus strand). VCF-style: chr11-47348480-C-T. GRCh37 (hg19) VCF-style: chr11-47370031-C-T.
Other names: short protein forms C239Y.
Identifiers: ClinVar variation 958816 (VCV000958816.11), dbSNP rs776541959, ClinGen allele CA380335865.